The following is an entry in ClinVar:

NM_022552.5(DNMT3A):c.2412G>A (p.Pro804=)

Gene: DNMT3A (DNA methyltransferase 3 alpha; minus strand). Cytogenetic location: 2p23.3.
Variant type: single nucleotide variant.
Coding change: c.2412G>A on transcript NM_022552.5 (MANE Select); coding-DNA position 2412, G replaced by A.
Protein change: p.Pro804=; no amino-acid change (proline 804 retained).
Molecular consequence: synonymous variant. On other transcripts: non-coding transcript variant (1).
Genome position (GRCh38, 1-based): chr2:25,237,002, C>T on the plus strand (G>A on the coding strand, the complement: DNMT3A is on the minus strand). VCF-style: chr2-25237002-C-T. GRCh37 (hg19) VCF-style: chr2-25459871-C-T.
Other names: c.2412G>A (NM_022552.3); c.1956G>A, p.Pro652= (NM_001320893.1); c.1743G>A, p.Pro581= (NM_001375819.1); c.1845G>A, p.Pro615= (NM_153759.3); c.2412G>A, p.Pro804= (NM_175629.2).
Identifiers: ClinVar variation 2021920 (VCV002021920.7), dbSNP rs529419548, ClinGen allele CA1555579.

ClinVar aggregate classification (germline): Likely benign. Review status: criteria provided, multiple submitters, no conflicts (2 of 4 stars). 3 submissions from 3 submitters: Likely benign (2). 1 of the submissions does not count toward it. Last evaluated 2024-11-27.

Conditions:
DNMT3A-related disorder. Also called: DNMT3A-related disorders; DNMT3A-related condition.
Inborn genetic diseases. Identifiers: MedGen C0950123, MeSH D030342.
Tatton-Brown-Rahman overgrowth syndrome. Also called: Tatton-Brown-Rahman syndrome; Tall stature-intellectual disability-facial dysmorphism syndrome. Identifiers: Orphanet 404443, MedGen C4014545, MONDO:0014382, OMIM 615879.

Allele frequency attached by ClinVar (database versions not stated): 1000 Genomes Project 30x 0.00016; 1000 Genomes Project 0.00020.
gnomAD v4.1: 19 of 1,613,580 alleles (0.0012%); highest among the groups gnomAD compares: East Asian, 0.0045%; no homozygotes.

Submissions (3):

Ambry Genetics
Classification: Likely benign for Inborn genetic diseases. Last evaluated: 2024-11-27. Review status: criteria provided, single submitter. Criteria: Ambry Variant Classification Scheme 2023. Collection method: clinical testing. Allele origin: germline.

Labcorp Genetics (formerly Invitae), Labcorp
Classification: Likely benign for Tatton-Brown-Rahman overgrowth syndrome. Last evaluated: 2024-05-23. Review status: criteria provided, single submitter. Criteria: Invitae Variant Classification Sherloc (09022015). Collection method: clinical testing. Allele origin: germline.

PreventionGenetics, part of Exact Sciences
Classification: Likely benign for DNMT3A-related condition. Last evaluated: 2023-06-27. Review status: no assertion criteria provided. Collection method: clinical testing. Allele origin: germline. Not counted in ClinVar's aggregate classification.
Comment: This variant is classified as likely benign based on ACMG/AMP sequence variant interpretation guidelines (Richards et al. 2015 PMID: 25741868, with internal and published modifications).